The following is an entry in ClinVar:

NM_003239.5(TGFB3):c.427A>T (p.Arg143Ter)

Gene: TGFB3 (transforming growth factor beta 3; minus strand). Cytogenetic location: 14q24.3.
Variant type: single nucleotide variant.
Coding change: c.427A>T on transcript NM_003239.5 (MANE Select); coding-DNA position 427, A replaced by T.
Protein change: p.Arg143Ter; replaces arginine 143 with a stop codon.
Molecular consequence: nonsense.
Genome position (GRCh38, 1-based): chr14:75,971,644, T>A on the plus strand (A>T on the coding strand, the complement: TGFB3 is on the minus strand). VCF-style: chr14-75971644-T-A. GRCh37 (hg19) VCF-style: chr14-76437987-T-A.
Other names: c.427A>T, p.Arg143Ter (NM_001329938.2, NM_001329939.2); c.427A>T (NM_003239.4); short protein forms R143*.
Identifiers: ClinVar variation 2138172 (VCV002138172.5), dbSNP rs2504111963, ClinGen allele CA390470122.

ClinVar aggregate classification (germline): Pathogenic/Likely pathogenic. Review status: criteria provided, multiple submitters, no conflicts (2 of 4 stars). 2 submissions from 2 submitters: Pathogenic (1); Likely pathogenic (1). Last evaluated 2026-09-01.

Conditions:
TGFB3-related disorder. Also called: TGFB3-related condition.
Rienhoff syndrome. Also called: LOEYS-DIETZ SYNDROME 5. Identifiers: MedGen C3810012, MONDO:0014262, OMIM 615582.

Submissions (2):

PreventionGenetics, part of Exact Sciences
Classification: Likely pathogenic for TGFB3-related condition. Last evaluated: 2026-09-01. Review status: criteria provided, single submitter. Criteria: ACMG Guidelines, 2015. Collection method: clinical testing. Allele origin: germline.
Comment: The TGFB3 c.427A>T variant is predicted to result in premature protein termination (p.Arg143*). This variant has been reported in an individual with aortic root aneurysm (Ziganshin et al. 2015. PubMed ID: 26188975). This variant has not been reported in a large population database (gnomAD), indicating this variant is rare. Nonsense variants in TGFB3 are expected to be pathogenic. This variant is interpreted as likely pathogenic.

Labcorp Genetics (formerly Invitae), Labcorp
Classification: Pathogenic for Rienhoff syndrome. Last evaluated: 2025-10-29. Review status: criteria provided, single submitter. Criteria: Invitae Variant Classification Sherloc (09022015). Collection method: clinical testing. Allele origin: germline.
Comment: This sequence change creates a premature translational stop signal (p.Arg143*) in the TGFB3 gene. It is expected to result in an absent or disrupted protein product. Loss-of-function variants in TGFB3 are known to be pathogenic (PMID: 25835445, 26188975). This variant is not present in population databases (gnomAD no frequency). This premature translational stop signal has been observed in individual(s) with TGFB3-related conditions (PMID: 26188975). ClinVar contains an entry for this variant (Variation ID: 2138172). For these reasons, this variant has been classified as Pathogenic.

Literature cited by the submitters: PubMed 25835445 (cited by Labcorp Genetics (formerly Invitae), Labcorp); PubMed 26188975 (cited by Labcorp Genetics (formerly Invitae), Labcorp).